The following is an entry in ClinVar:

NM_001356.5(DDX3X):c.104-10del

Gene: DDX3X (DEAD-box helicase 3 X-linked; plus strand). Cytogenetic location: Xp11.4.
Variant type: Deletion.
Coding change: c.104-10del on transcript NM_001356.5 (MANE Select); 10 bases into the intron before coding-DNA position 104, one base deleted (A; older notation c.104-10delA).
Molecular consequence: intron variant. On other transcripts: 5 prime UTR variant (1).
Genome position (GRCh38, 1-based): chrX:41,339,026, A deleted. VCF-style (leftmost placement, unchanged base first): chrX-41339025-TA-T. GRCh37 (hg19) VCF-style: chrX-41198278-TA-T.
Other names: c.104-10delA (NM_001193416.2); c.-465del (NM_001363819.1); c.104-10del (NM_001193416.3); c.103+1561del (NM_001193417.3).
Identifiers: ClinVar variation 4949962 (VCV004949962.2).
Genomic context (GRCh38, chrX:41,339,025, plus strand): 5'-TAGTAACAGAAATTTAAATGGGAAGGTTTTTTGGCATTTAATTAATTTTATATATATATA[TA>T]TTTTTTTAGAAGGGCGCTATATTCCTCCTCATTTAAGGAACCGAGAAGCTACTAAAGGTA-3'

ClinVar aggregate classification (germline): Likely benign. Review status: criteria provided, multiple submitters, no conflicts (2 of 4 stars). 2 submissions from 2 submitters: Likely benign (2). Last evaluated 2025-04-17.

Conditions:
DDX3X-related disorder. Also called: DDX3X-related condition.

Submissions (2):

PreventionGenetics, part of Exact Sciences
Classification: Likely benign for DDX3X-related condition. Last evaluated: 2025-04-17. Review status: criteria provided, single submitter. Criteria: ACMG Guidelines, 2015. Collection method: clinical testing. Allele origin: germline.
Comment: This variant is classified as likely benign based on ACMG/AMP sequence variant interpretation guidelines (Richards et al. 2015 PMID: 25741868, with internal and published modifications).

Blueprint Genetics
Classification: Likely benign. Last evaluated: 2022-12-22. Review status: criteria provided, single submitter. Criteria: ACMG Guidelines, 2015. Collection method: clinical testing. Allele origin: germline.